The following is an entry in ClinVar:

NM_004369.4(COL6A3):c.3188A>C (p.Asp1063Ala)

Gene: COL6A3 (collagen type VI alpha 3 chain; minus strand). Cytogenetic location: 2q37.3.
Variant type: single nucleotide variant.
Coding change: c.3188A>C on transcript NM_004369.4 (MANE Select); coding-DNA position 3188, A replaced by C.
Protein change: p.Asp1063Ala; replaces aspartic acid 1063 with alanine.
Molecular consequence: missense variant.
Genome position (GRCh38, 1-based): chr2:237,374,903, T>G on the plus strand (A>C on the coding strand, the complement: COL6A3 is on the minus strand). VCF-style: chr2-237374903-T-G. GRCh37 (hg19) VCF-style: chr2-238283546-T-G.
Other names: c.1967A>C, p.Asp656Ala (NM_057164.5); c.2570A>C, p.Asp857Ala (NM_057165.5, NM_057167.4); c.1367A>C, p.Asp456Ala (NM_057166.5); short protein forms D857A, D1063A, D456A, D656A.
Identifiers: ClinVar variation 1482241 (VCV001482241.6), dbSNP rs1238550268, ClinGen allele CA351205245.

ClinVar aggregate classification (germline): Uncertain significance (1 of 4 stars; one submission).

Conditions:
Bethlem myopathy 1A. Also called: Bethlem myopathy 1; Bethlem Muscular Dystrophy; MYOPATHY, BENIGN CONGENITAL, WITH CONTRACTURES. Identifiers: Orphanet 610, MedGen CN029274, MONDO:0024530, OMIM 158810.

Submission:

Labcorp Genetics (formerly Invitae), Labcorp
Classification: Uncertain significance for Bethlem myopathy 1A. Last evaluated: 2022-06-13. Review status: criteria provided, single submitter. Criteria: Invitae Variant Classification Sherloc (09022015). Collection method: clinical testing. Allele origin: germline.
Comment: In summary, the available evidence is currently insufficient to determine the role of this variant in disease. Therefore, it has been classified as a Variant of Uncertain Significance. Advanced modeling of protein sequence and biophysical properties (such as structural, functional, and spatial information, amino acid conservation, physicochemical variation, residue mobility, and thermodynamic stability) performed at Invitae indicates that this missense variant is not expected to disrupt COL6A3 protein function. This variant has not been reported in the literature in individuals affected with COL6A3-related conditions. This variant is not present in population databases (gnomAD no frequency). This sequence change replaces aspartic acid, which is acidic and polar, with alanine, which is neutral and non-polar, at codon 1063 of the COL6A3 protein (p.Asp1063Ala).